The following is an entry in ClinVar:

NM_001349253.2(SCN11A):c.3061A>C (p.Lys1021Gln)

Gene: SCN11A (sodium voltage-gated channel alpha subunit 11; minus strand). Cytogenetic location: 3p22.2.
Variant type: single nucleotide variant.
Coding change: c.3061A>C on transcript NM_001349253.2 (MANE Select); coding-DNA position 3061, A replaced by C.
Protein change: p.Lys1021Gln; replaces lysine 1021 with glutamine.
Molecular consequence: missense variant.
Genome position (GRCh38, 1-based): chr3:38,885,291, T>G on the plus strand (A>C on the coding strand, the complement: SCN11A is on the minus strand). VCF-style: chr3-38885291-T-G. GRCh37 (hg19) VCF-style: chr3-38926782-T-G.
Other names: c.3061A>C, p.Lys1021Gln (NM_014139.3); short protein forms K1021Q.
Identifiers: ClinVar variation 1480380 (VCV001480380.7), dbSNP rs1306874235, ClinGen allele CA352173470.
Genomic context (GRCh38, chr3:38,885,291, plus strand): 5'-GAACAGAAACCCCATCCAAAGATTCTGTGAACTGGATGCAGAAATACTGCCACTTACCTT[T>G]GGGCAAACATCTCTCTGGTTGCTTTTTGGGAACCATCTCAGGTAACCATCCAAAGCCATC-3'
Protein context (NP_001336182.1, residues 1011-1031): PKKQPERCLP[Lys1021Gln]GFGCCFPCCS

ClinVar aggregate classification (germline): Uncertain significance. Review status: criteria provided, multiple submitters, no conflicts (2 of 4 stars). 2 submissions from 2 submitters: Uncertain significance (2). Last evaluated 2022-01-20.

Conditions:
Hereditary sensory and autonomic neuropathy type 7. Also called: HSAN VII; Neuropathy, hereditary sensory and autonomic, type VII. Identifiers: Orphanet 391397, MedGen C3809882, MONDO:0014244, OMIM 615548.
Familial episodic pain syndrome with predominantly lower limb involvement. Also called: Episodic pain syndrome, familial, 3. Identifiers: Orphanet 391384, Orphanet 391392, MedGen C3809899, MONDO:0014247, OMIM 615552.

Allele frequency attached by ClinVar (database versions not stated): gnomAD exomes below 0.00001.
gnomAD v4.1: 1 of 1,586,698 alleles (0.000063%); highest among the groups gnomAD compares: Non-Finnish European, 0.000087%; no homozygotes.

Submissions (2):

GeneDx
Classification: Uncertain significance. Last evaluated: 2022-01-20. Review status: criteria provided, single submitter. Criteria: GeneDx Variant Classification Process June 2021. Collection method: clinical testing. Allele origin: germline. Affected: yes.
Comment: Not observed at significant frequency in large population cohorts (gnomAD); In silico analysis supports that this missense variant does not alter protein structure/function; Has not been previously published as pathogenic or benign to our knowledge

Labcorp Genetics (formerly Invitae), Labcorp
Classification: Uncertain significance for Familial episodic pain syndrome with predominantly lower limb involvement; Hereditary sensory and autonomic neuropathy type 7. Last evaluated: 2021-09-15. Review status: criteria provided, single submitter. Criteria: Invitae Variant Classification Sherloc (09022015). Collection method: clinical testing. Allele origin: germline.
Comment: In summary, the available evidence is currently insufficient to determine the role of this variant in disease. Therefore, it has been classified as a Variant of Uncertain Significance. Algorithms developed to predict the effect of missense changes on protein structure and function are either unavailable or do not agree on the potential impact of this missense change (SIFT: "Deleterious"; PolyPhen-2: "Benign"; Align-GVGD: "Class C45"). This variant has not been reported in the literature in individuals affected with SCN11A-related conditions. This variant is not present in population databases (ExAC no frequency). This sequence change replaces lysine with glutamine at codon 1021 of the SCN11A protein (p.Lys1021Gln). The lysine residue is highly conserved and there is a small physicochemical difference between lysine and glutamine.